The following is an entry in ClinVar:

ClinVar aggregate classification (germline): Benign (1 of 4 stars; one submission).

Allele frequency attached by ClinVar (database versions not stated): gnomAD 0.03141 and 0.03363; 1000 Genomes Project 30x 0.03232; 1000 Genomes Project 0.03255; TOPMed 0.03559.
gnomAD v4.1: 4,728 of 152,346 alleles (3.1%); highest among the groups gnomAD compares: African/African-American, 11%; 267 homozygotes.

Submission:

GeneDx
Classification: Benign. Last evaluated: 2018-06-19. Review status: criteria provided, single submitter. Criteria: GeneDx Variant Classification (06012015). Collection method: clinical testing. Allele origin: germline. Affected: yes.
Comment: This variant is considered likely benign or benign based on one or more of the following criteria: it is a conservative change, it occurs at a poorly conserved position in the protein, it is predicted to be benign by multiple in silico algorithms, and/or has population frequency not consistent with disease.

NM_181705.4(LYRM7):c.163-231A>T

Gene: LYRM7 (LYR motif containing 7; plus strand). Cytogenetic location: 5q23.3.
Variant type: single nucleotide variant.
Coding change: c.163-231A>T on transcript NM_181705.4 (MANE Select); 231 bases into the intron before coding-DNA position 163, A replaced by T.
Molecular consequence: intron variant.
Genome position (GRCh38, 1-based): chr5:131,186,797, A>T. VCF-style: chr5-131186797-A-T. GRCh37 (hg19) VCF-style: chr5-130522490-A-T.
Other names: c.162+4498A>T (NM_001293735.2).
Identifiers: ClinVar variation 674140 (VCV000674140.1), dbSNP rs1015557, ClinGen allele CA127817669.